The following is an entry in ClinVar:

NM_000059.4(BRCA2):c.4804A>G (p.Lys1602Glu)

Gene: BRCA2 (BRCA2 DNA repair associated; plus strand). Cytogenetic location: 13q13.1.
Variant type: single nucleotide variant.
Coding change: c.4804A>G on transcript NM_000059.4 (MANE Select); coding-DNA position 4804, A replaced by G.
Protein change: p.Lys1602Glu; replaces lysine 1602 with glutamic acid.
Molecular consequence: missense variant.
Genome position (GRCh38, 1-based): chr13:32,339,159, A>G. VCF-style: chr13-32339159-A-G. GRCh37 (hg19) VCF-style: chr13-32913296-A-G.
Other names: short protein forms K1602E.
Identifiers: ClinVar variation 578459 (VCV000578459.13), dbSNP rs1566231167, ClinGen allele CA387783264.

ClinVar aggregate classification (germline): Conflicting classifications of pathogenicity. Review status: criteria provided, conflicting classifications (1 of 4 stars). 3 submissions from 3 submitters: Uncertain significance (1); Likely benign (2). Last evaluated 2025-04-14.

Conditions:
Hereditary breast ovarian cancer syndrome. Also called: Hereditary breast and ovarian cancer syndrome; Hereditary breast and ovarian cancer syndrome (HBOC); BRCA1- and BRCA2-Associated Hereditary Breast and Ovarian Cancer; Hereditary breast and/or ovarian cancer syndrome; Hereditary breast and ovarian cancer; Breast and ovarian cancer. Identifiers: Orphanet 145, MedGen C0677776, MeSH D061325, MONDO:0003582. Disease mechanism: loss of function.
Hereditary cancer-predisposing syndrome. Also called: Neoplastic Syndromes, Hereditary; Tumor predisposition; Hereditary neoplastic syndrome; Hereditary Cancer Syndrome. Identifiers: Orphanet 140162, MedGen C0027672, MeSH D009386, MONDO:0015356.

Submissions (3):

Ambry Genetics
Classification: Likely benign for Hereditary cancer-predisposing syndrome. Last evaluated: 2025-04-14. Review status: criteria provided, single submitter. Criteria: Ambry Variant Classification Scheme 2023. Collection method: clinical testing. Allele origin: germline.

University of Washington Department of Laboratory Medicine, University of Washington
Classification: Likely benign for Hereditary cancer-predisposing syndrome. Last evaluated: 2023-03-23. Review status: criteria provided, single submitter. Criteria: Dines et al. (Genet Med. 2020). Collection method: curation. Allele origin: germline.
Comment: Missense variant in a coldspot region where missense variants are very unlikely to be pathogenic (PMID:31911673).

BRCA2 exon 11 coldspot. Reclassification based on statistical prior probability.

Labcorp Genetics (formerly Invitae), Labcorp
Classification: Uncertain significance for Hereditary breast ovarian cancer syndrome. Last evaluated: 2019-11-16. Review status: criteria provided, single submitter. Criteria: Invitae Variant Classification Sherloc (09022015). Collection method: clinical testing. Allele origin: germline.
Comment: This sequence change replaces lysine with glutamic acid at codon 1602 of the BRCA2 protein (p.Lys1602Glu). The lysine residue is weakly conserved and there is a small physicochemical difference between lysine and glutamic acid. This variant is not present in population databases (ExAC no frequency). This variant has not been reported in the literature in individuals with BRCA2-related disease. Algorithms developed to predict the effect of missense changes on protein structure and function output the following: SIFT: "Tolerated"; PolyPhen-2: "Benign"; Align-GVGD: "Class C0". The glutamic acid amino acid residue is found in multiple mammalian species, suggesting that this missense change does not adversely affect protein function. These predictions have not been confirmed by published functional studies and their clinical significance is uncertain. In summary, the available evidence is currently insufficient to determine the role of this variant in disease. Therefore, it has been classified as a Variant of Uncertain Significance.